The following is an entry in ClinVar:

NM_002691.4(POLD1):c.437C>T (p.Pro146Leu)

Gene: POLD1 (DNA polymerase delta 1, catalytic subunit; plus strand). Cytogenetic location: 19q13.33.
Variant type: single nucleotide variant.
Coding change: c.437C>T on transcript NM_002691.4 (MANE Select); coding-DNA position 437, C replaced by T.
Protein change: p.Pro146Leu; replaces proline 146 with leucine.
Molecular consequence: missense variant. On other transcripts: non-coding transcript variant (1).
Genome position (GRCh38, 1-based): chr19:50,401,898, C>T. VCF-style: chr19-50401898-C-T. GRCh37 (hg19) VCF-style: chr19-50905155-C-T.
Other names: c.437C>T, p.Pro146Leu (NM_001256849.1, NM_001308632.1); c.437C>T (NM_002691.2); short protein forms P146L.
Identifiers: ClinVar variation 1312606 (VCV001312606.10), dbSNP rs2122234481, ClinGen allele CA406972677.
Genomic context (GRCh38, chr19:50,401,898, plus strand): 5'-GCGCCTTCGGGGTCACCGATGAGGGGTTCTCTGTCTGCTGCCACATCCACGGCTTCGCTC[C>T]CTACTTCTACACCCCAGCGCCCCCTGGTGAGTGGCCCCTACCCAGCCCCTCCCTGAGCCA-3'
Protein context (NP_002682.2, residues 136-156): SVCCHIHGFA[Pro146Leu]YFYTPAPPGF

ClinVar aggregate classification (germline): Uncertain significance. Review status: criteria provided, multiple submitters, no conflicts (2 of 4 stars). 3 submissions from 3 submitters: Uncertain significance (3). Last evaluated 2025-01-16.

Conditions:
POLD1-related polyposis and colorectal cancer syndrome (CRCS10). Also called: Colorectal cancer, susceptibility to, 10; Colorectal cancer 10; COLORECTAL CANCER, SUSCEPTIBILITY TO, ON CHROMOSOME 19q. Identifiers: Orphanet 220460, MedGen C2675481, MONDO:0012953, OMIM 612591.
Hereditary cancer-predisposing syndrome. Also called: Tumor predisposition; Hereditary Cancer Syndrome; Hereditary neoplastic syndrome; Neoplastic Syndromes, Hereditary. Identifiers: Orphanet 140162, MedGen C0027672, MeSH D009386, MONDO:0015356.

Allele frequency attached by ClinVar (database versions not stated): gnomAD exomes below 0.00001.

Submissions (3):

Ambry Genetics
Classification: Uncertain significance for Hereditary cancer-predisposing syndrome. Last evaluated: 2025-01-16. Review status: criteria provided, single submitter. Criteria: Ambry Variant Classification Scheme 2023. Collection method: clinical testing. Allele origin: germline.
Comment: The p.P146L variant (also known as c.437C>T), located in coding exon 3 of the POLD1 gene, results from a C to T substitution at nucleotide position 437. The proline at codon 146 is replaced by leucine, an amino acid with similar properties. This amino acid position is conserved. In addition, the in silico prediction for this alteration is inconclusive. Based on the available evidence, the clinical significance of this variant remains unclear.

Labcorp Genetics (formerly Invitae), Labcorp
Classification: Uncertain significance for POLD1-related polyposis and colorectal cancer syndrome. Last evaluated: 2023-11-16. Review status: criteria provided, single submitter. Criteria: Invitae Variant Classification Sherloc (09022015). Collection method: clinical testing. Allele origin: germline.
Comment: This sequence change replaces proline, which is neutral and non-polar, with leucine, which is neutral and non-polar, at codon 146 of the POLD1 protein (p.Pro146Leu). This variant is not present in population databases (gnomAD no frequency). This variant has not been reported in the literature in individuals affected with POLD1-related conditions. ClinVar contains an entry for this variant (Variation ID: 1312606). Advanced modeling of protein sequence and biophysical properties (such as structural, functional, and spatial information, amino acid conservation, physicochemical variation, residue mobility, and thermodynamic stability) performed at Invitae indicates that this missense variant is expected to disrupt POLD1 protein function with a positive predictive value of 80%. In summary, the available evidence is currently insufficient to determine the role of this variant in disease. Therefore, it has been classified as a Variant of Uncertain Significance.

GeneDx
Classification: Uncertain significance. Last evaluated: 2020-04-02. Review status: criteria provided, single submitter. Criteria: GeneDx Variant Classification Process June 2021. Collection method: clinical testing. Allele origin: germline. Affected: yes.
Comment: Not observed in large population cohorts (Lek 2016); In silico analysis supports that this missense variant has a deleterious effect on protein structure/function; Has not been previously published as pathogenic or benign to our knowledge